The following is an entry in ClinVar:

ClinVar aggregate classification (germline): Likely benign. Review status: criteria provided, multiple submitters, no conflicts (2 of 4 stars). 2 submissions from 2 submitters: Likely benign (2). Last evaluated 2026-07-01.

Conditions:
Bethlem myopathy 1A. Also called: Bethlem Muscular Dystrophy; MYOPATHY, BENIGN CONGENITAL, WITH CONTRACTURES; Bethlem myopathy 1. Identifiers: Orphanet 610, MedGen CN029274, MONDO:0024530, OMIM 158810.

Allele frequency attached by ClinVar (database versions not stated): ExAC 0.00004; gnomAD 0.00004 and 0.00005; gnomAD exomes 0.00004 and 0.00005; TOPMed 0.00006; ESP Exome Variant Server 0.00008.
gnomAD v4.1: 67 of 1,613,836 alleles (0.0042%); highest among the groups gnomAD compares: Non-Finnish European, 0.0047%; no homozygotes.

Submissions (2):

CeGaT Center for Human Genetics Tuebingen
Classification: Likely benign. Last evaluated: 2026-07-01. Review status: criteria provided, single submitter. Criteria: CeGaT Center For Human Genetics Tuebingen Variant Classification Criteria Version 2. Collection method: clinical testing. Allele origin: germline. Affected: yes. Observed: 2 variant alleles.
Comment: COL6A3: BP4, BP7

Labcorp Genetics (formerly Invitae), Labcorp
Classification: Likely benign for Bethlem myopathy 1A. Last evaluated: 2025-06-27. Review status: criteria provided, single submitter. Criteria: Invitae Variant Classification Sherloc (09022015). Collection method: clinical testing. Allele origin: germline.

NM_004369.4(COL6A3):c.3411C>T (p.Ile1137=)

Gene: COL6A3 (collagen type VI alpha 3 chain; minus strand). Cytogenetic location: 2q37.3.
Variant type: single nucleotide variant.
Coding change: c.3411C>T on transcript NM_004369.4 (MANE Select); coding-DNA position 3411, C replaced by T.
Protein change: p.Ile1137=; no amino-acid change (isoleucine 1137 retained).
Molecular consequence: synonymous variant.
Genome position (GRCh38, 1-based): chr2:237,374,680, G>A on the plus strand (C>T on the coding strand, the complement: COL6A3 is on the minus strand). VCF-style: chr2-237374680-G-A. GRCh37 (hg19) VCF-style: chr2-238283323-G-A.
Other names: c.2190C>T, p.Ile730= (NM_057164.5); c.2793C>T, p.Ile931= (NM_057165.5, NM_057167.4); c.1590C>T, p.Ile530= (NM_057166.5).
Identifiers: ClinVar variation 774024 (VCV000774024.31), dbSNP rs368285658, ClinGen allele CA2189175.